The following is an entry in ClinVar:

NM_001039213.4(CEACAM16):c.370G>A (p.Val124Met)

Genes: CEACAM16 (CEA cell adhesion molecule 16, tectorial membrane component; plus strand), CEACAM16-AS1 (CEACAM16, CEACAM19 and PVR antisense RNA 1; minus strand). Cytogenetic location: 19q13.32.
Variant type: single nucleotide variant.
Coding change: c.370G>A on transcript NM_001039213.4 (MANE Select); coding-DNA position 370, G replaced by A.
Protein change: p.Val124Met; replaces valine 124 with methionine.
Molecular consequence: missense variant.
Genome position (GRCh38, 1-based): chr19:44,703,681, G>A. VCF-style: chr19-44703681-G-A. GRCh37 (hg19) VCF-style: chr19-45206951-G-A.
Other names: c.370G>A (NM_001039213.2); short protein forms V124M.
Identifiers: ClinVar variation 2069231 (VCV002069231.5), dbSNP rs577689341, ClinGen allele CA9503022.

ClinVar aggregate classification (germline): Conflicting classifications of pathogenicity. Review status: criteria provided, conflicting classifications (1 of 4 stars). 2 submissions from 2 submitters: Uncertain significance (1); Likely benign (1). Last evaluated 2025-08-29.

Conditions:
Inborn genetic diseases. Identifiers: MedGen C0950123, MeSH D030342.

Allele frequency attached by ClinVar (database versions not stated): 1000 Genomes Project 30x 0.00016; 1000 Genomes Project 0.00020; ExAC 0.00002.
gnomAD v4.1: 191 of 1,540,602 alleles (0.012%); highest among the groups gnomAD compares: Non-Finnish European, 0.017%; no homozygotes.

Submissions (2):

Ambry Genetics
Classification: Likely benign for Inborn genetic diseases. Last evaluated: 2025-08-29. Review status: criteria provided, single submitter. Criteria: Ambry Variant Classification Scheme 2023. Collection method: clinical testing. Allele origin: germline.

Labcorp Genetics (formerly Invitae), Labcorp
Classification: Uncertain significance. Last evaluated: 2022-06-20. Review status: criteria provided, single submitter. Criteria: Invitae Variant Classification Sherloc (09022015). Collection method: clinical testing. Allele origin: germline.
Comment: This variant has not been reported in the literature in individuals affected with CEACAM16-related conditions. The frequency data for this variant in the population databases is considered unreliable, as metrics indicate poor data quality at this position in the gnomAD database. This sequence change replaces valine, which is neutral and non-polar, with methionine, which is neutral and non-polar, at codon 124 of the CEACAM16 protein (p.Val124Met). Algorithms developed to predict the effect of missense changes on protein structure and function output the following: SIFT: "Tolerated"; PolyPhen-2: "Benign"; Align-GVGD: "Class C0". The methionine amino acid residue is found in multiple mammalian species, which suggests that this missense change does not adversely affect protein function. In summary, the available evidence is currently insufficient to determine the role of this variant in disease. Therefore, it has been classified as a Variant of Uncertain Significance.